The following is an entry in ClinVar:

ClinVar aggregate classification (germline): Pathogenic (1 of 4 stars; one submission).

Conditions:
LMNB1-related disorder. Also called: LMNB1-related condition; LMNB1-Related Disorders.

Submission:

Women's Health and Genetics/Laboratory Corporation of America, LabCorp
Classification: Pathogenic for LMNB1-Related Disorders. Last evaluated: 2024-04-02. Review status: criteria provided, single submitter. Criteria: LabCorp Variant Classification Summary - May 2015. Collection method: clinical testing. Allele origin: germline.
Comment: Variant summary: The variant involves the duplication of exons 1-11 of the LMNB1 gene. A presumed nomenclature of c.(?_-374)_(*757_?)dup has been designated for the purposes of this classification. This duplication includes the entire coding sequence of the gene. As exact breakpoints are unknown, it may extend beyond the annotated region of the gene, to include other flanking genes. It is assumed to be a tandem duplication in direct orientation (PMIDs: 25640679, 30054569). Multiple large duplications are reported which include the LMNB1 gene in isolation or together with other flanking genes in control chromosomes, for example, a duplication (position: hg38 5:126776557-126837118; size: 60,561 bp; affected gene: LMNB1 only) was found at a frequency of 4.5e-06 in 441904 control chromosomes in the gnomAD database (CNVs v4.0 dataset). On the other hand, numerous duplications which include the LMNB1 gene together with other flanking genes have been reported in heterozygous state in individuals affected with Adult-onset Autosomal Dominant Demyelinating Leukodystrophy (ADLD) (e.g. Padiath_2006, Dos Santos_2012, Giorgio_2013), and one of these reports analyzing several affected families confirmed that the minimal critical duplicated region required for ADLD included only the LMNB1 gene (Giorgio_2013). In addition, a recent study also reported LMNB1 gene duplication in isolation in an affected individual (Schluter_2022). These data indicate that the variant is very likely to be associated with disease. Publications also reported increased LMNB1 expression in patients' fibroblasts both at mRNA and protein levels, suggesting that regulatory regions are maintained within the rearranged segment (e.g. Giorgio_2013). ClinVar contains an entry for this variant (Variation ID: 1460260). Based on the evidence outlined above, the variant was classified as pathogenic.

Literature cited by the submitters: PubMed 35012964; PubMed 21909802; PubMed 23649844; PubMed 16951681.

NC_000005.9:g.(?_126112827)_(126172713_?)dup

Gene: LMNB1 (lamin B1; plus strand). Cytogenetic location: 5q23.2.
Variant type: Duplication.
Identifiers: ClinVar variation 3251581 (VCV003251581.1).